The following is an entry in ClinVar:

NM_022166.4(XYLT1):c.2169A>T (p.Lys723Asn)

Gene: XYLT1 (xylosyltransferase 1; minus strand). Cytogenetic location: 16p12.3.
Variant type: single nucleotide variant.
Coding change: c.2169A>T on transcript NM_022166.4 (MANE Select); coding-DNA position 2169, A replaced by T.
Protein change: p.Lys723Asn; replaces lysine 723 with asparagine.
Molecular consequence: missense variant.
Genome position (GRCh38, 1-based): chr16:17,127,720, T>A on the plus strand (A>T on the coding strand, the complement: XYLT1 is on the minus strand). VCF-style: chr16-17127720-T-A. GRCh37 (hg19) VCF-style: chr16-17221577-T-A.
Other names: short protein forms K723N.
Identifiers: ClinVar variation 1914520 (VCV001914520.5), dbSNP rs753887357, ClinGen allele CA279080046.

ClinVar aggregate classification (germline): Uncertain significance (1 of 4 stars; one submission).

Conditions:
Desbuquois dysplasia 1 (DBQD1). Also called: MICROMELIC DWARFISM WITH VERTEBRAL AND METAPHYSEAL ABNORMALITIES AND ADVANCED CARPOTARSAL OSSIFICATION; DESBUQUOIS DYSPLASIA 1, KIM VARIANT. Identifiers: Orphanet 1425, MedGen C4012146, MONDO:0009629, OMIM 251450.

gnomAD v4.1: 4 of 1,614,144 alleles (0.00025%); highest among the groups gnomAD compares: Admixed American, 0.0017%; no homozygotes.

Submission:

Labcorp Genetics (formerly Invitae), Labcorp
Classification: Uncertain significance for Desbuquois dysplasia 1. Last evaluated: 2022-09-07. Review status: criteria provided, single submitter. Criteria: Invitae Variant Classification Sherloc (09022015). Collection method: clinical testing. Allele origin: germline.
Comment: This sequence change replaces lysine, which is basic and polar, with asparagine, which is neutral and polar, at codon 723 of the XYLT1 protein (p.Lys723Asn). This variant is not present in population databases (gnomAD no frequency). This variant has not been reported in the literature in individuals affected with XYLT1-related conditions. Algorithms developed to predict the effect of missense changes on protein structure and function (SIFT, PolyPhen-2, Align-GVGD) all suggest that this variant is likely to be tolerated. In summary, the available evidence is currently insufficient to determine the role of this variant in disease. Therefore, it has been classified as a Variant of Uncertain Significance.